The following is an entry in ClinVar:

ClinVar aggregate classification (germline): Uncertain significance (1 of 4 stars; one submission).

Allele frequency attached by ClinVar (database versions not stated): gnomAD exomes below 0.00001; ExAC 0.00001; TOPMed 0.00001.

Submission:

Labcorp Genetics (formerly Invitae), Labcorp
Classification: Uncertain significance. Last evaluated: 2023-12-18. Review status: criteria provided, single submitter. Criteria: Invitae Variant Classification Sherloc (09022015). Collection method: clinical testing. Allele origin: germline.
Comment: This sequence change falls in intron 21 of the ATP1A1 gene. It does not directly change the encoded amino acid sequence of the ATP1A1 protein. It affects a nucleotide within the consensus splice site. This variant is present in population databases (rs763368722, gnomAD 0.006%). This variant has not been reported in the literature in individuals affected with ATP1A1-related conditions. ClinVar contains an entry for this variant (Variation ID: 1367607). Variants that disrupt the consensus splice site are a relatively common cause of aberrant splicing (PMID: 17576681, 9536098). Algorithms developed to predict the effect of sequence changes on RNA splicing suggest that this variant may disrupt the consensus splice site. In summary, the available evidence is currently insufficient to determine the role of this variant in disease. Therefore, it has been classified as a Variant of Uncertain Significance.

Literature cited by the submitters: PubMed 17576681; PubMed 9536098.

NM_000701.8(ATP1A1):c.2951+6T>C

Genes: ATP1A1 (ATPase Na+/K+ transporting subunit alpha 1; plus strand), ATP1A1-AS1 (ATP1A1 antisense RNA 1; minus strand). Cytogenetic location: 1p13.1.
Variant type: single nucleotide variant.
Coding change: c.2951+6T>C on transcript NM_000701.8 (MANE Select); 6 bases into the intron after coding-DNA position 2951, T replaced by C.
Molecular consequence: intron variant.
Genome position (GRCh38, 1-based): chr1:116,401,661, T>C. VCF-style: chr1-116401661-T-C. GRCh37 (hg19) VCF-style: chr1-116944283-T-C.
Other names: c.2951+6T>C (NM_001160233.2); c.2858+6T>C (NM_001160234.2).
Identifiers: ClinVar variation 1367607 (VCV001367607.6), dbSNP rs763368722, ClinGen allele CA1025666.
Genomic context (GRCh38, chr1:116,401,661, plus strand): 5'-CTTTCCTTTCCTACTGCCCTGGAATGGGTGTTGCTCTTAGGATGTATCCCCTCAAGTAAG[T>C]TGATCCTCTGGTAGCTCCAAAAAGTATGAAATAGTATGTGTGGCTTTTCCCCCCATTACT-3'